The following is an entry in ClinVar:

NM_000142.5(FGFR3):c.1339G>C (p.Glu447Gln)

Gene: FGFR3 (fibroblast growth factor receptor 3; plus strand). Cytogenetic location: 4p16.3.
Variant type: single nucleotide variant.
Coding change: c.1339G>C on transcript NM_000142.5 (MANE Select); coding-DNA position 1339, G replaced by C.
Protein change: p.Glu447Gln; replaces glutamic acid 447 with glutamine.
Molecular consequence: missense variant. On other transcripts: non-coding transcript variant (1).
Genome position (GRCh38, 1-based): chr4:1,804,896, G>C. VCF-style: chr4-1804896-G-C. GRCh37 (hg19) VCF-style: chr4-1806623-G-C.
Other names: c.1345G>C, p.Glu449Gln (NM_001163213.2); c.1342G>C, p.Glu448Gln (NM_001354809.2, NM_001354810.2); c.1003G>C, p.Glu335Gln (NM_022965.4); short protein forms E335Q, E447Q, E448Q, E449Q.
Identifiers: ClinVar variation 4796939 (VCV004796939.1).

ClinVar aggregate classification (germline): Uncertain significance (1 of 4 stars; one submission).

Submission:

Labcorp Genetics (formerly Invitae), Labcorp
Classification: Uncertain significance. Last evaluated: 2025-09-01. Review status: criteria provided, single submitter. Criteria: Invitae Variant Classification Sherloc (09022015). Collection method: clinical testing. Allele origin: germline.
Comment: This sequence change replaces glutamic acid, which is acidic and polar, with glutamine, which is neutral and polar, at codon 447 of the FGFR3 protein (p.Glu447Gln). This variant is not present in population databases (gnomAD no frequency). This variant has not been reported in the literature in individuals affected with FGFR3-related conditions. Invitae Evidence Modeling of protein sequence and biophysical properties (such as structural, functional, and spatial information, amino acid conservation, physicochemical variation, residue mobility, and thermodynamic stability) indicates that this missense variant is not expected to disrupt FGFR3 protein function with a negative predictive value of 95%. In summary, the available evidence is currently insufficient to determine the role of this variant in disease. Therefore, it has been classified as a Variant of Uncertain Significance.